The following is an entry in ClinVar:

ClinVar aggregate classification (germline): Likely benign. Review status: criteria provided, multiple submitters, no conflicts (2 of 4 stars). 2 submissions from 2 submitters: Likely benign (2). Last evaluated 2025-10-17.

Conditions:
CPLANE1-related disorder. Also called: CPLANE1-related condition.

gnomAD v4.1: 4 of 1,605,140 alleles (0.00025%); highest among the groups gnomAD compares: Admixed American, 0.007%; no homozygotes.

Submissions (2):

Labcorp Genetics (formerly Invitae), Labcorp
Classification: Likely benign. Last evaluated: 2025-10-17. Review status: criteria provided, single submitter. Criteria: Invitae Variant Classification Sherloc (09022015). Collection method: clinical testing. Allele origin: germline.

PreventionGenetics, part of Exact Sciences
Classification: Likely benign for CPLANE1-related condition. Last evaluated: 2024-10-07. Review status: criteria provided, single submitter. Criteria: ACMG Guidelines, 2015. Collection method: clinical testing. Allele origin: germline.
Comment: This variant is classified as likely benign based on ACMG/AMP sequence variant interpretation guidelines (Richards et al. 2015 PMID: 25741868, with internal and published modifications).

NM_001384732.1(CPLANE1):c.7395A>G (p.Lys2465=)

Gene: CPLANE1 (ciliogenesis and planar polarity effector complex subunit 1; minus strand). Cytogenetic location: 5p13.2.
Variant type: single nucleotide variant.
Coding change: c.7395A>G on transcript NM_001384732.1 (MANE Select); coding-DNA position 7395, A replaced by G.
Protein change: p.Lys2465=; no amino-acid change (lysine 2465 retained).
Molecular consequence: synonymous variant.
Genome position (GRCh38, 1-based): chr5:37,167,052, T>C on the plus strand (A>G on the coding strand, the complement: CPLANE1 is on the minus strand). VCF-style: chr5-37167052-T-C. GRCh37 (hg19) VCF-style: chr5-37167154-T-C.
Other names: c.7395A>G (NM_023073.3); c.7395A>G, p.Lys2465= (NM_023073.4).
Identifiers: ClinVar variation 4752372 (VCV004752372.2).
Genomic context (GRCh38, chr5:37,167,052, plus strand): 5'-ATAATGAACTTGCTGATATATGATATTATCAAATAAAATTTCACTTAAGCCTTGCCTTTT[T>C]TTACTGTCCTTTCCTTGTCTTACTTCAGGTGGTTCTATTTTGACCTTTAGAAGTTGAAGG-3'
Protein context (NP_001371661.1, residues 2455-2475): PPEVRQGKDS[Lys2465=]KRQRRRAEKE